The following is an entry in ClinVar:

NM_000350.3(ABCA4):c.4979C>G (p.Pro1660Arg)

Genes: ABCA4 (ATP binding cassette subfamily A member 4; minus strand), LOC126805793 (CDK7 strongly-dependent group 2 enhancer GRCh37_chr1:94486302-94487501; plus strand). Cytogenetic location: 1p22.1.
Variant type: single nucleotide variant.
Coding change: c.4979C>G on transcript NM_000350.3 (MANE Select); coding-DNA position 4979, C replaced by G.
Protein change: p.Pro1660Arg; replaces proline 1660 with arginine.
Molecular consequence: missense variant.
Genome position (GRCh38, 1-based): chr1:94,021,279, G>C on the plus strand (C>G on the coding strand, the complement: ABCA4 is on the minus strand). VCF-style: chr1-94021279-G-C. GRCh37 (hg19) VCF-style: chr1-94486835-G-C.
Other names: c.4757C>G, p.Pro1586Arg (NM_001425324.1); short protein forms P1660R, P1586R.
Identifiers: ClinVar variation 1066209 (VCV001066209.9), dbSNP rs886044746, ClinGen allele CA341282965.

ClinVar aggregate classification (germline): Pathogenic (1 of 4 stars; one submission).

Allele frequency attached by ClinVar (database versions not stated): TOPMed below 0.00001.

Submission:

Labcorp Genetics (formerly Invitae), Labcorp
Classification: Pathogenic. Last evaluated: 2022-11-01. Review status: criteria provided, single submitter. Criteria: Invitae Variant Classification Sherloc (09022015). Collection method: clinical testing. Allele origin: germline.
Comment: This sequence change replaces proline, which is neutral and non-polar, with arginine, which is basic and polar, at codon 1660 of the ABCA4 protein (p.Pro1660Arg). This variant is not present in population databases (gnomAD no frequency). This missense change has been observed in individual(s) with Stargardt disease (Invitae). ClinVar contains an entry for this variant (Variation ID: 1066209). Advanced modeling of protein sequence and biophysical properties (such as structural, functional, and spatial information, amino acid conservation, physicochemical variation, residue mobility, and thermodynamic stability) performed at Invitae indicates that this missense variant is expected to disrupt ABCA4 protein function. This variant disrupts the p.Pro1660 amino acid residue in ABCA4. Other variant(s) that disrupt this residue have been determined to be pathogenic (PMID: 22247458, 28118664; Invitae). This suggests that this residue is clinically significant, and that variants that disrupt this residue are likely to be disease-causing. For these reasons, this variant has been classified as Pathogenic.

Literature cited by the submitters: PubMed 22247458; PubMed 28118664.